The following is an entry in ClinVar:

NM_018723.4(RBFOX1):c.96C>G (p.Pro32=)

Gene: RBFOX1 (RNA binding fox-1 homolog 1; plus strand). Cytogenetic location: 16p13.3.
Variant type: single nucleotide variant.
Coding change: c.96C>G on transcript NM_018723.4 (MANE Select); coding-DNA position 96, C replaced by G.
Protein change: p.Pro32=; no amino-acid change (proline 32 retained).
Molecular consequence: synonymous variant.
Genome position (GRCh38, 1-based): chr16:7,518,215, C>G. VCF-style: chr16-7518215-C-G. GRCh37 (hg19) VCF-style: chr16-7568217-C-G.
Other names: c.96C>G, p.Pro32= (NM_001142333.2, NM_001142334.2, NM_001364800.2); c.225C>G, p.Pro75= (NM_001308117.1); c.156C>G, p.Pro52= (NM_145891.3, NM_145892.3, NM_145893.3).
Identifiers: ClinVar variation 415962 (VCV000415962.29), dbSNP rs143695164, ClinGen allele CA7891312.

ClinVar aggregate classification (germline): Benign/Likely benign. Review status: criteria provided, multiple submitters, no conflicts (2 of 4 stars). 3 submissions from 3 submitters: Benign (1); Likely benign (2). Last evaluated 2025-12-15.

Conditions:
Idiopathic generalized epilepsy. Also called: Generalised epilepsy; EIG. Identifiers: MedGen C0270850, MONDO:0005579, OMIM 600669.

Allele frequency attached by ClinVar (database versions not stated): gnomAD 0.00052 and 0.00056; TOPMed 0.00052; ESP Exome Variant Server 0.00062; gnomAD exomes 0.00080; ExAC 0.00083; 1000 Genomes Project 0.00100; 1000 Genomes Project 30x 0.00109.
gnomAD v4.1: 1,222 of 1,614,122 alleles (0.076%); highest among the groups gnomAD compares: South Asian, 0.28%; 2 homozygotes.

Submissions (3):

Labcorp Genetics (formerly Invitae), Labcorp
Classification: Benign for Idiopathic generalized epilepsy. Last evaluated: 2025-12-15. Review status: criteria provided, single submitter. Criteria: Invitae Variant Classification Sherloc (09022015). Collection method: clinical testing. Allele origin: germline.

CeGaT Center for Human Genetics Tuebingen
Classification: Likely benign. Last evaluated: 2024-08-01. Review status: criteria provided, single submitter. Criteria: CeGaT Center For Human Genetics Tuebingen Variant Classification Criteria Version 2. Collection method: clinical testing. Allele origin: germline. Affected: yes. Observed: 1 variant allele.
Comment: RBFOX1: BP4, BP7, BS1

Athena Diagnostics
Classification: Likely benign. Last evaluated: 2018-03-12. Review status: criteria provided, single submitter. Criteria: Athena Diagnostics Criteria. Collection method: clinical testing. Allele origin: germline.